The following is an entry in ClinVar:

ClinVar aggregate classification (germline): Uncertain significance. Review status: criteria provided, multiple submitters, no conflicts (2 of 4 stars). 2 submissions from 2 submitters: Uncertain significance (2). Last evaluated 2024-05-18.

Conditions:
Neuropathy, hereditary sensory and autonomic, type 2A (HSAN2A). Also called: ACROOSTEOLYSIS, GIACCAI TYPE; ACROOSTEOLYSIS, NEUROGENIC; MORVAN DISEASE; NEUROPATHY, CONGENITAL SENSORY; NEUROPATHY, HEREDITARY SENSORY RADICULAR, AUTOSOMAL RECESSIVE; NEUROPATHY, HEREDITARY SENSORY, TYPE IIA. Identifiers: Orphanet 970, MedGen C2752089, MONDO:0024309, OMIM 201300.
Pseudohypoaldosteronism type 2C (PHA2C). Also called: Pseudohypoaldosteronism Type IIC. Identifiers: Orphanet 757, Orphanet 88940, MedGen C1840391, MONDO:0013778, OMIM 614492.

Allele frequency attached by ClinVar (database versions not stated): gnomAD 0.00002 and 0.00003.
gnomAD v4.1: 15 of 1,612,606 alleles (0.00093%); highest among the groups gnomAD compares: African/African-American, 0.0093%; no homozygotes.

Submissions (2):

Labcorp Genetics (formerly Invitae), Labcorp
Classification: Uncertain significance for Neuropathy, hereditary sensory and autonomic, type 2A; Pseudohypoaldosteronism type 2C. Last evaluated: 2024-05-18. Review status: criteria provided, single submitter. Criteria: Invitae Variant Classification Sherloc (09022015). Collection method: clinical testing. Allele origin: germline.
Comment: This sequence change replaces glutamic acid, which is acidic and polar, with aspartic acid, which is acidic and polar, at codon 192 of the WNK1 protein (p.Glu192Asp). This variant is not present in population databases (gnomAD no frequency). This variant has not been reported in the literature in individuals affected with WNK1-related conditions. ClinVar contains an entry for this variant (Variation ID: 1386115). Advanced modeling of protein sequence and biophysical properties (such as structural, functional, and spatial information, amino acid conservation, physicochemical variation, residue mobility, and thermodynamic stability) performed at Invitae indicates that this missense variant is not expected to disrupt WNK1 protein function with a negative predictive value of 95%. In summary, the available evidence is currently insufficient to determine the role of this variant in disease. Therefore, it has been classified as a Variant of Uncertain Significance.

Fulgent Genetics
Classification: Uncertain significance for Neuropathy, hereditary sensory and autonomic, type 2A; Pseudohypoaldosteronism type 2C. Last evaluated: 2021-10-27. Review status: criteria provided, single submitter. Criteria: ACMG Guidelines, 2015. Collection method: clinical testing. Allele origin: unknown.

NM_018979.4(WNK1):c.576G>C (p.Glu192Asp)

Gene: WNK1 (WNK lysine deficient protein kinase 1; plus strand). Cytogenetic location: 12p13.33.
Variant type: single nucleotide variant.
Coding change: c.576G>C on transcript NM_018979.4 (MANE Select); coding-DNA position 576, G replaced by C.
Protein change: p.Glu192Asp; replaces glutamic acid 192 with aspartic acid.
Molecular consequence: missense variant.
Genome position (GRCh38, 1-based): chr12:754,141, G>C. VCF-style: chr12-754141-G-C. GRCh37 (hg19) VCF-style: chr12-863307-G-C.
Other names: c.576G>C, p.Glu192Asp (NM_001184985.2, NM_014823.3, NM_213655.5); short protein forms E192D.
Identifiers: ClinVar variation 1386115 (VCV001386115.9), dbSNP rs971232152, ClinGen allele CA231464415.